The following is an entry in ClinVar:

ClinVar aggregate classification (germline): Uncertain significance (1 of 4 stars; one submission).

Allele frequency attached by ClinVar (database versions not stated): gnomAD 0.00003 and 0.00007; TOPMed 0.00004; gnomAD exomes 0.00007 and 0.00012; ESP Exome Variant Server 0.00008; ExAC 0.00011.
gnomAD v4.1: 116 of 1,612,976 alleles (0.0072%); highest among the groups gnomAD compares: South Asian, 0.08%; 1 homozygote.

Submission:

Labcorp Genetics (formerly Invitae), Labcorp
Classification: Uncertain significance. Last evaluated: 2022-10-17. Review status: criteria provided, single submitter. Criteria: Invitae Variant Classification Sherloc (09022015). Collection method: clinical testing. Allele origin: germline.
Comment: This sequence change replaces aspartic acid, which is acidic and polar, with asparagine, which is neutral and polar, at codon 565 of the SLC9A3 protein (p.Asp565Asn). This variant is present in population databases (rs368459613, gnomAD 0.07%). This variant has not been reported in the literature in individuals affected with SLC9A3-related conditions. ClinVar contains an entry for this variant (Variation ID: 1421757). Algorithms developed to predict the effect of missense changes on protein structure and function are either unavailable or do not agree on the potential impact of this missense change (SIFT: "Not Available"; PolyPhen-2: "Probably Damaging"; Align-GVGD: "Not Available"). In summary, the available evidence is currently insufficient to determine the role of this variant in disease. Therefore, it has been classified as a Variant of Uncertain Significance.

NM_004174.4(SLC9A3):c.1693G>A (p.Asp565Asn)

Genes: SLC9A3 (solute carrier family 9 member A3), SLC9A3-AS1 (SLC9A3 antisense RNA 1; plus strand). Cytogenetic location: 5p15.33.
Variant type: single nucleotide variant.
Coding change: c.1693G>A on transcript NM_004174.4 (MANE Select); coding-DNA position 1693, G replaced by A.
Protein change: p.Asp565Asn; replaces aspartic acid 565 with asparagine.
Molecular consequence: missense variant.
Genome position (GRCh38, 1-based): chr5:477,399, C>T on the plus strand (G>A on the coding strand, the complement: SLC9A3 is on the minus strand). VCF-style: chr5-477399-C-T. GRCh37 (hg19) VCF-style: chr5-477514-C-T.
Other names: c.1666G>A, p.Asp556Asn (NM_001284351.3); short protein forms D565N, D556N.
Identifiers: ClinVar variation 1421757 (VCV001421757.5), dbSNP rs368459613, ClinGen allele CA3175765.